The following is an entry in ClinVar:

ClinVar aggregate classification (germline): Uncertain significance. Review status: criteria provided, multiple submitters, no conflicts (2 of 4 stars). 2 submissions from 2 submitters: Uncertain significance (2). Last evaluated 2025-01-23.

gnomAD v4.1: 1 of 1,613,804 alleles (0.000062%); highest among the groups gnomAD compares: East Asian, 0.0022%; no homozygotes.

Submissions (2):

Labcorp Genetics (formerly Invitae), Labcorp
Classification: Uncertain significance. Last evaluated: 2025-01-23. Review status: criteria provided, single submitter. Criteria: Invitae Variant Classification Sherloc (09022015). Collection method: clinical testing. Allele origin: germline.
Comment: This sequence change replaces arginine, which is basic and polar, with serine, which is neutral and polar, at codon 1093 of the CACNA1D protein (p.Arg1093Ser). This variant is not present in population databases (gnomAD no frequency). This variant has not been reported in the literature in individuals affected with CACNA1D-related conditions. ClinVar contains an entry for this variant (Variation ID: 2439653). Invitae Evidence Modeling of protein sequence and biophysical properties (such as structural, functional, and spatial information, amino acid conservation, physicochemical variation, residue mobility, and thermodynamic stability) indicates that this missense variant is not expected to disrupt CACNA1D protein function with a negative predictive value of 80%. In summary, the available evidence is currently insufficient to determine the role of this variant in disease. Therefore, it has been classified as a Variant of Uncertain Significance.

Revvity Omics, Revvity
Classification: Uncertain significance. Last evaluated: 2021-08-26. Review status: criteria provided, single submitter. Criteria: ACMG Guidelines, 2015. Collection method: clinical testing. Allele origin: germline.

NM_001128840.3(CACNA1D):c.3217C>A (p.Arg1073Ser)

Gene: CACNA1D (calcium voltage-gated channel subunit alpha1 D; plus strand). Cytogenetic location: 3p21.1.
Variant type: single nucleotide variant.
Coding change: c.3217C>A on transcript NM_001128840.3 (MANE Select); coding-DNA position 3217, C replaced by A.
Protein change: p.Arg1073Ser; replaces arginine 1073 with serine.
Molecular consequence: missense variant.
Genome position (GRCh38, 1-based): chr3:53,747,351, C>A. VCF-style: chr3-53747351-C-A. GRCh37 (hg19) VCF-style: chr3-53781378-C-A.
Other names: c.3277C>A, p.Arg1093Ser (NM_000720.4); c.3217C>A, p.Arg1073Ser (NM_001128839.3); short protein forms R1073S, R1093S.
Identifiers: ClinVar variation 2439653 (VCV002439653.5), dbSNP rs765175731, ClinGen allele CA353247529.